The following is an entry in ClinVar:

NM_000271.5(NPC1):c.2240T>C (p.Phe747Ser)

Gene: NPC1 (NPC intracellular cholesterol transporter 1; minus strand). Cytogenetic location: 18q11.2.
Variant type: single nucleotide variant.
Coding change: c.2240T>C on transcript NM_000271.5 (MANE Select); coding-DNA position 2240, T replaced by C.
Protein change: p.Phe747Ser; replaces phenylalanine 747 with serine.
Molecular consequence: missense variant.
Genome position (GRCh38, 1-based): chr18:23,543,460, A>G on the plus strand (T>C on the coding strand, the complement: NPC1 is on the minus strand). VCF-style: chr18-23543460-A-G. GRCh37 (hg19) VCF-style: chr18-21123424-A-G.
Other names: short protein forms F747S.
Identifiers: ClinVar variation 1428085 (VCV001428085.5), dbSNP rs1490823282, ClinGen allele CA401770680.
Genomic context (GRCh38, chr18:23,543,460, plus strand): 5'-TTCTTTCTCCAGGCTCAGCAGACTACAGGACTGGTAGGATTGAAAGCATAATTACCTAAG[A>G]AAAATGCTACAGTCTCAGAAAAGGATGACAGGAACATACTGGGAGCCACTTCTCCTAGGA-3'
Protein context (NP_000262.2, residues 737-757): LSSFSETVAF[Phe747Ser]LGALSVMPAV

ClinVar aggregate classification (germline): Uncertain significance (1 of 4 stars; one submission).

Conditions:
Niemann-Pick disease, type C1. Also called: NIEMANN-PICK DISEASE, VARIANT TYPE C1; NEUROVISCERAL STORAGE DISEASE WITH VERTICAL SUPRANUCLEAR OPHTHALMOPLEGIA; NIEMANN-PICK DISEASE WITH CHOLESTEROL ESTERIFICATION BLOCK; NIEMANN-PICK DISEASE WITHOUT SPHINGOMYELINASE DEFICIENCY; NIEMANN-PICK DISEASE, CHRONIC NEURONOPATHIC FORM. Identifiers: Orphanet 646, MedGen C3179455, MONDO:0009757, OMIM 257220.

Allele frequency attached by ClinVar (database versions not stated): gnomAD exomes below 0.00001; TOPMed below 0.00001; gnomAD 0.00002.
gnomAD v4.1: 4 of 1,593,312 alleles (0.00025%); highest among the groups gnomAD compares: African/African-American, 0.0054%; no homozygotes.

Submission:

Labcorp Genetics (formerly Invitae), Labcorp
Classification: Uncertain significance for Niemann-Pick disease, type C1. Last evaluated: 2021-08-27. Review status: criteria provided, single submitter. Criteria: Invitae Variant Classification Sherloc (09022015). Collection method: clinical testing. Allele origin: germline.
Comment: This sequence change replaces phenylalanine with serine at codon 747 of the NPC1 protein (p.Phe747Ser). The phenylalanine residue is highly conserved and there is a large physicochemical difference between phenylalanine and serine. This variant is not present in population databases (ExAC no frequency). This variant has not been reported in the literature in individuals affected with NPC1-related conditions. Algorithms developed to predict the effect of missense changes on protein structure and function are either unavailable or do not agree on the potential impact of this missense change (SIFT: "Deleterious"; PolyPhen-2: "Probably Damaging"; Align-GVGD: "Class C15"). In summary, the available evidence is currently insufficient to determine the role of this variant in disease. Therefore, it has been classified as a Variant of Uncertain Significance.